The following is an entry in ClinVar:

NM_013275.6(ANKRD11):c.2863C>T (p.Leu955=)

Gene: ANKRD11 (ankyrin repeat domain 11; minus strand). Cytogenetic location: 16q24.3.
Variant type: single nucleotide variant.
Coding change: c.2863C>T on transcript NM_013275.6 (MANE Select); coding-DNA position 2863, C replaced by T.
Protein change: p.Leu955=; no amino-acid change (leucine 955 retained).
Molecular consequence: synonymous variant.
Genome position (GRCh38, 1-based): chr16:89,283,679, G>A on the plus strand (C>T on the coding strand, the complement: ANKRD11 is on the minus strand). VCF-style: chr16-89283679-G-A. GRCh37 (hg19) VCF-style: chr16-89350087-G-A.
Other names: c.2863C>T, p.Leu955= (NM_001256182.2, NM_001256183.2).
Identifiers: ClinVar variation 1796982 (VCV001796982.10), dbSNP rs1188726211, ClinGen allele CA497374937.

ClinVar aggregate classification (germline): Likely benign. Review status: criteria provided, multiple submitters, no conflicts (2 of 4 stars). 3 submissions from 3 submitters: Likely benign (3). Last evaluated 2026-05-13.

Conditions:
KBG syndrome (KBGS). Also called: ANKRD11-Related KBG Syndrome. Identifiers: Orphanet 2332, MedGen C0220687, MONDO:0007846, OMIM 148050.
Inborn genetic diseases. Identifiers: MedGen C0950123, MeSH D030342.

Allele frequency attached by ClinVar (database versions not stated): TOPMed 0.00002.
gnomAD v4.1: 7 of 1,612,712 alleles (0.00043%); highest among the groups gnomAD compares: Admixed American, 0.012%; no homozygotes.

Submissions (3):

Ambry Genetics
Classification: Likely benign for Inborn genetic diseases. Last evaluated: 2026-05-13. Review status: criteria provided, single submitter. Criteria: Ambry Variant Classification Scheme 2023. Collection method: clinical testing. Allele origin: germline.

CeGaT Center for Human Genetics Tuebingen
Classification: Likely benign. Last evaluated: 2026-03-01. Review status: criteria provided, single submitter. Criteria: CeGaT Center For Human Genetics Tuebingen Variant Classification Criteria Version 2. Collection method: clinical testing. Allele origin: germline. Affected: yes. Observed: 1 variant allele.
Comment: ANKRD11: BP4, BP7

Labcorp Genetics (formerly Invitae), Labcorp
Classification: Likely benign for KBG syndrome. Last evaluated: 2025-11-12. Review status: criteria provided, single submitter. Criteria: Invitae Variant Classification Sherloc (09022015). Collection method: clinical testing. Allele origin: germline.